The following is an entry in ClinVar:

NM_001105206.3(LAMA4):c.4624A>T (p.Ile1542Phe)

Gene: LAMA4 (laminin subunit alpha 4; minus strand). Cytogenetic location: 6q21.
Variant type: single nucleotide variant.
Coding change: c.4624A>T on transcript NM_001105206.3 (MANE Select); coding-DNA position 4624, A replaced by T.
Protein change: p.Ile1542Phe; replaces isoleucine 1542 with phenylalanine.
Molecular consequence: missense variant.
Genome position (GRCh38, 1-based): chr6:112,120,324, T>A on the plus strand (A>T on the coding strand, the complement: LAMA4 is on the minus strand). VCF-style: chr6-112120324-T-A. GRCh37 (hg19) VCF-style: chr6-112441527-T-A.
Other names: c.4603A>T, p.Ile1535Phe (NM_001105207.3, NM_002290.5); short protein forms I1542F, I1535F.
Identifiers: ClinVar variation 1741835 (VCV001741835.6), dbSNP rs968367653, ClinGen allele CA144882820.

ClinVar aggregate classification (germline): Uncertain significance. Review status: criteria provided, multiple submitters, no conflicts (2 of 4 stars). 3 submissions from 3 submitters: Uncertain significance (3). Last evaluated 2026-04-13.

Conditions:
Dilated cardiomyopathy 1JJ (CMD1JJ). Identifiers: Orphanet 154, MedGen C3808935, MONDO:0014095, OMIM 615235.
Cardiovascular phenotype. Identifiers: MedGen CN230736.

Allele frequency attached by ClinVar (database versions not stated): gnomAD exomes 0.00001; gnomAD 0.00003.
gnomAD v4.1: 13 of 1,613,928 alleles (0.00081%); highest among the groups gnomAD compares: African/African-American, 0.013%; no homozygotes.

Submissions (3):

Women's Health and Genetics/Laboratory Corporation of America, LabCorp
Classification: Uncertain significance. Last evaluated: 2026-04-13. Review status: criteria provided, single submitter. Criteria: LabCorp Variant Classification Summary - May 2015. Collection method: clinical testing. Allele origin: germline.

Labcorp Genetics (formerly Invitae), Labcorp
Classification: Uncertain significance for Dilated cardiomyopathy 1JJ. Last evaluated: 2025-02-22. Review status: criteria provided, single submitter. Criteria: Invitae Variant Classification Sherloc (09022015). Collection method: clinical testing. Allele origin: germline.
Comment: This sequence change replaces isoleucine, which is neutral and non-polar, with phenylalanine, which is neutral and non-polar, at codon 1535 of the LAMA4 protein (p.Ile1535Phe). This variant is not present in population databases (gnomAD no frequency). This variant has not been reported in the literature in individuals affected with LAMA4-related conditions. ClinVar contains an entry for this variant (Variation ID: 1741835). Invitae Evidence Modeling of protein sequence and biophysical properties (such as structural, functional, and spatial information, amino acid conservation, physicochemical variation, residue mobility, and thermodynamic stability) has been performed for this missense variant. However, the output from this modeling did not meet the statistical confidence thresholds required to predict the impact of this variant on LAMA4 protein function. In summary, the available evidence is currently insufficient to determine the role of this variant in disease. Therefore, it has been classified as a Variant of Uncertain Significance.

Ambry Genetics
Classification: Uncertain significance for Cardiovascular phenotype. Last evaluated: 2023-05-11. Review status: criteria provided, single submitter. Criteria: Ambry Variant Classification Scheme 2023. Collection method: clinical testing. Allele origin: germline.
Comment: The p.I1535F variant (also known as c.4603A>T), located in coding exon 32 of the LAMA4 gene, results from an A to T substitution at nucleotide position 4603. The isoleucine at codon 1535 is replaced by phenylalanine, an amino acid with highly similar properties. This amino acid position is conserved. In addition, this alteration is predicted to be tolerated by in silico analysis. The evidence for this gene-disease relationship is limited; therefore, the clinical significance of this alteration is unclear.